The following is an entry in ClinVar:

ClinVar aggregate classification (germline): Uncertain significance. Review status: criteria provided, multiple submitters, no conflicts (2 of 4 stars). 2 submissions from 2 submitters: Uncertain significance (2). Last evaluated 2025-02-12.

Conditions:
Inborn genetic diseases. Identifiers: MedGen C0950123, MeSH D030342.
Congenital sideroblastic anemia-B-cell immunodeficiency-periodic fever-developmental delay syndrome. Also called: Sideroblastic anemia with B-cell immunodeficiency, periodic fevers, and developmental delay. Identifiers: Orphanet 369861, MedGen C4015172, MONDO:0014487, OMIM 616084.

Allele frequency attached by ClinVar (database versions not stated): ExAC 0.00001; TOPMed 0.00006; ESP Exome Variant Server 0.00008.
gnomAD v4.1: 7 of 1,611,190 alleles (0.00043%); highest among the groups gnomAD compares: African/African-American, 0.0094%; no homozygotes.

Submissions (2):

Ambry Genetics
Classification: Uncertain significance for Inborn genetic diseases. Last evaluated: 2025-02-12. Review status: criteria provided, single submitter. Criteria: Ambry Variant Classification Scheme 2023. Collection method: clinical testing. Allele origin: germline.

Labcorp Genetics (formerly Invitae), Labcorp
Classification: Uncertain significance for Congenital sideroblastic anemia-B-cell immunodeficiency-periodic fever-developmental delay syndrome. Last evaluated: 2024-12-02. Review status: criteria provided, single submitter. Criteria: Invitae Variant Classification Sherloc (09022015). Collection method: clinical testing. Allele origin: germline.
Comment: This sequence change replaces isoleucine, which is neutral and non-polar, with methionine, which is neutral and non-polar, at codon 208 of the TRNT1 protein (p.Ile208Met). This variant is present in population databases (rs367981406, gnomAD 0.01%). This variant has not been reported in the literature in individuals affected with TRNT1-related conditions. ClinVar contains an entry for this variant (Variation ID: 856780). Invitae Evidence Modeling of protein sequence and biophysical properties (such as structural, functional, and spatial information, amino acid conservation, physicochemical variation, residue mobility, and thermodynamic stability) indicates that this missense variant is not expected to disrupt TRNT1 protein function with a negative predictive value of 80%. In summary, the available evidence is currently insufficient to determine the role of this variant in disease. Therefore, it has been classified as a Variant of Uncertain Significance.

NM_182916.3(TRNT1):c.624T>G (p.Ile208Met)

Gene: TRNT1 (tRNA nucleotidyl transferase 1; plus strand). Cytogenetic location: 3p26.2.
Variant type: single nucleotide variant.
Coding change: c.624T>G on transcript NM_182916.3 (MANE Select); coding-DNA position 624, T replaced by G.
Protein change: p.Ile208Met; replaces isoleucine 208 with methionine.
Molecular consequence: missense variant. On other transcripts: non-coding transcript variant (6).
Genome position (GRCh38, 1-based): chr3:3,146,445, T>G. VCF-style: chr3-3146445-T-G. GRCh37 (hg19) VCF-style: chr3-3188129-T-G.
Other names: c.624T>G, p.Ile208Met (NM_001302946.2, NM_001367321.1, NM_001367322.1 and 1 more transcripts); short protein forms I208M.
Identifiers: ClinVar variation 856780 (VCV000856780.6), dbSNP rs367981406, ClinGen allele CA2228743.